The following is an entry in ClinVar:

NM_003221.4(TFAP2B):c.199C>T (p.Pro67Ser)

Gene: TFAP2B (transcription factor AP-2 beta; plus strand). Cytogenetic location: 6p12.3.
Variant type: single nucleotide variant.
Coding change: c.199C>T on transcript NM_003221.4 (MANE Select); coding-DNA position 199, C replaced by T.
Protein change: p.Pro67Ser; replaces proline 67 with serine.
Molecular consequence: missense variant.
Genome position (GRCh38, 1-based): chr6:50,823,524, C>T. VCF-style: chr6-50823524-C-T. GRCh37 (hg19) VCF-style: chr6-50791237-C-T.
Other names: short protein forms P67S.
Identifiers: ClinVar variation 1304203 (VCV001304203.2), dbSNP rs2113929335, ClinGen allele CA364412080.

ClinVar aggregate classification (germline): Uncertain significance (1 of 4 stars; one submission).

Submission:

GeneDx
Classification: Uncertain significance. Last evaluated: 2021-01-26. Review status: criteria provided, single submitter. Criteria: GeneDx Variant Classification Process June 2021. Collection method: clinical testing. Allele origin: germline. Affected: yes.
Comment: Not observed in large population cohorts (Lek et al., 2016); In silico analysis supports that this missense variant has a deleterious effect on protein structure/function; Has not been previously published as pathogenic or benign to our knowledge